The following is an entry in ClinVar:

ClinVar aggregate classification (germline): Uncertain significance (1 of 4 stars; one submission).

Submission:

GeneDx
Classification: Uncertain significance. Last evaluated: 2024-04-16. Review status: criteria provided, single submitter. Criteria: GeneDx Variant Classification Process June 2021. Collection method: clinical testing. Allele origin: germline. Affected: yes.
Comment: Not observed at significant frequency in large population cohorts (gnomAD); In silico analysis supports that this missense variant has a deleterious effect on protein structure/function; Has not been previously published as pathogenic or benign to our knowledge; In silico analysis suggests this variant may impact gene splicing. In the absence of RNA/functional studies, the actual effect of this sequence change is unknown.

NM_001457.4(FLNB):c.3946A>T (p.Ser1316Cys)

Gene: FLNB (filamin B; plus strand). Cytogenetic location: 3p14.3.
Variant type: single nucleotide variant.
Coding change: c.3946A>T on transcript NM_001457.4 (MANE Select); coding-DNA position 3946, A replaced by T.
Protein change: p.Ser1316Cys; replaces serine 1316 with cysteine.
Molecular consequence: missense variant.
Genome position (GRCh38, 1-based): chr3:58,125,628, A>T. VCF-style: chr3-58125628-A-T. GRCh37 (hg19) VCF-style: chr3-58111355-A-T.
Other names: c.3946A>T, p.Ser1316Cys (NM_001164317.2, NM_001164318.2, NM_001164319.2); short protein forms S1316C.
Identifiers: ClinVar variation 3365467 (VCV003365467.1).